The following is an entry in ClinVar:

ClinVar aggregate classification (germline): Conflicting classifications of pathogenicity. Review status: criteria provided, conflicting classifications (1 of 4 stars). 2 submissions from 2 submitters: Uncertain significance (1); Likely benign (1). Last evaluated 2024-11-11.

Allele frequency attached by ClinVar (database versions not stated): gnomAD exomes 0.00001 and 0.00002; ExAC 0.00002; gnomAD 0.00004; TOPMed 0.00004; ESP Exome Variant Server 0.00015.
gnomAD v4.1: 19 of 1,612,506 alleles (0.0012%); highest among the groups gnomAD compares: African/African-American, 0.013%; no homozygotes.

Submissions (2):

Labcorp Genetics (formerly Invitae), Labcorp
Classification: Uncertain significance. Last evaluated: 2024-11-11. Review status: criteria provided, single submitter. Criteria: Invitae Variant Classification Sherloc (09022015). Collection method: clinical testing. Allele origin: germline.
Comment: This sequence change replaces arginine, which is basic and polar, with histidine, which is basic and polar, at codon 560 of the ATF6 protein (p.Arg560His). This variant is present in population databases (rs375366825, gnomAD 0.01%). This variant has not been reported in the literature in individuals affected with ATF6-related conditions. ClinVar contains an entry for this variant (Variation ID: 958172). Invitae Evidence Modeling of protein sequence and biophysical properties (such as structural, functional, and spatial information, amino acid conservation, physicochemical variation, residue mobility, and thermodynamic stability) indicates that this missense variant is not expected to disrupt ATF6 protein function with a negative predictive value of 80%. In summary, the available evidence is currently insufficient to determine the role of this variant in disease. Therefore, it has been classified as a Variant of Uncertain Significance.

Blueprint Genetics
Classification: Likely benign. Last evaluated: 2022-11-04. Review status: criteria provided, single submitter. Criteria: ACMG Guidelines, 2015. Collection method: clinical testing. Allele origin: germline.

NM_007348.4(ATF6):c.1679G>A (p.Arg560His)

Gene: ATF6 (activating transcription factor 6; plus strand). Cytogenetic location: 1q23.3.
Variant type: single nucleotide variant.
Coding change: c.1679G>A on transcript NM_007348.4 (MANE Select); coding-DNA position 1679, G replaced by A.
Protein change: p.Arg560His; replaces arginine 560 with histidine.
Molecular consequence: missense variant.
Genome position (GRCh38, 1-based): chr1:161,863,272, G>A. VCF-style: chr1-161863272-G-A. GRCh37 (hg19) VCF-style: chr1-161833062-G-A.
Other names: short protein forms R560H.
Identifiers: ClinVar variation 958172 (VCV000958172.6), dbSNP rs375366825, ClinGen allele CA1214565.
Genomic context (GRCh38, chr1:161,863,272, plus strand): 5'-GTGAGCTACAAGTGTATTATGCTTCACCCAGAAGTTATCAAGACTTTTTTGAAGCCATCC[G>A]CAGAAGGGGAGACACATTTTATGTTGTGTCATTTCGAAGGGTAAGTTCATCTTGAAAGAA-3'
Protein context (NP_031374.2, residues 550-570): RSYQDFFEAI[Arg560His]RRGDTFYVVS